The following is an entry in ClinVar:

NM_017999.5(RNF31):c.926G>C (p.Cys309Ser)

Gene: RNF31 (ring finger protein 31; plus strand). Cytogenetic location: 14q12.
Variant type: single nucleotide variant.
Coding change: c.926G>C on transcript NM_017999.5 (MANE Select); coding-DNA position 926, G replaced by C.
Protein change: p.Cys309Ser; replaces cysteine 309 with serine.
Molecular consequence: missense variant.
Genome position (GRCh38, 1-based): chr14:24,150,177, G>C. VCF-style: chr14-24150177-G-C. GRCh37 (hg19) VCF-style: chr14-24619386-G-C.
Other names: c.473G>C, p.Cys158Ser (NM_001310332.2); short protein forms C158S, C309S.
Identifiers: ClinVar variation 4781434 (VCV004781434.1).

ClinVar aggregate classification (germline): Uncertain significance (1 of 4 stars; one submission).

gnomAD v4.1: 2 of 1,614,190 alleles (0.00012%); highest among the groups gnomAD compares: Non-Finnish European, 0.00017%; no homozygotes.

Submission:

Labcorp Genetics (formerly Invitae), Labcorp
Classification: Uncertain significance. Last evaluated: 2025-04-23. Review status: criteria provided, single submitter. Criteria: Invitae Variant Classification Sherloc (09022015). Collection method: clinical testing. Allele origin: germline.
Comment: This sequence change replaces cysteine, which is neutral and slightly polar, with serine, which is neutral and polar, at codon 309 of the RNF31 protein (p.Cys309Ser). This variant is present in population databases (rs777346008, gnomAD 0.0009%). This variant has not been reported in the literature in individuals affected with RNF31-related conditions. An algorithm developed to predict the effect of missense changes on protein structure and function (PolyPhen-2) suggests that this variant is likely to be disruptive. In summary, the available evidence is currently insufficient to determine the role of this variant in disease. Therefore, it has been classified as a Variant of Uncertain Significance.